The following is an entry in ClinVar:

ClinVar aggregate classification (germline): Uncertain significance (1 of 4 stars; one submission).

Conditions:
Juvenile polyposis syndrome (JPS). Identifiers: Orphanet 2929, MedGen C0345893, MONDO:0017380, OMIM 174900.

Submission:

Labcorp Genetics (formerly Invitae), Labcorp
Classification: Uncertain significance for Juvenile polyposis syndrome. Last evaluated: 2023-08-09. Review status: criteria provided, single submitter. Criteria: Invitae Variant Classification Sherloc (09022015). Collection method: clinical testing. Allele origin: germline.
Comment: In summary, the available evidence is currently insufficient to determine the role of this variant in disease. Therefore, it has been classified as a Variant of Uncertain Significance. Advanced modeling of protein sequence and biophysical properties (such as structural, functional, and spatial information, amino acid conservation, physicochemical variation, residue mobility, and thermodynamic stability) performed at Invitae indicates that this missense variant is not expected to disrupt BMPR1A protein function. This variant has not been reported in the literature in individuals affected with BMPR1A-related conditions. This variant is not present in population databases (gnomAD no frequency). This sequence change replaces asparagine, which is neutral and polar, with serine, which is neutral and polar, at codon 388 of the BMPR1A protein (p.Asn388Ser).

NM_004329.3(BMPR1A):c.1163A>G (p.Asn388Ser)

Gene: BMPR1A (bone morphogenetic protein receptor type 1A; plus strand). Cytogenetic location: 10q23.2.
Variant type: single nucleotide variant.
Coding change: c.1163A>G on transcript NM_004329.3 (MANE Select); coding-DNA position 1163, A replaced by G.
Protein change: p.Asn388Ser; replaces asparagine 388 with serine.
Molecular consequence: missense variant. On other transcripts: non-coding transcript variant (3).
Genome position (GRCh38, 1-based): chr10:86,919,466, A>G. VCF-style: chr10-86919466-A-G. GRCh37 (hg19) VCF-style: chr10-88679223-A-G.
Other names: c.1238A>G, p.Asn413Ser (NM_001406559.1); c.1211A>G, p.Asn404Ser (NM_001406560.1); c.1163A>G, p.Asn388Ser (NM_001406561.1, NM_001406562.1, NM_001406563.1 and 19 more transcripts); c.1157A>G, p.Asn386Ser (NM_001406583.1); c.1079A>G, p.Asn360Ser (NM_001406584.1, NM_001406585.1, NM_001406586.1 and 2 more transcripts); c.821A>G, p.Asn274Ser (NM_001406589.1); short protein forms N274S, N386S, N404S, N388S, N413S, N360S.
Identifiers: ClinVar variation 2794751 (VCV002794751.3), dbSNP rs1843628997, ClinGen allele CA377461344.